The following is an entry in ClinVar:

NM_007209.4(RPL35):c.362T>G (p.Val121Gly)

Gene: RPL35 (ribosomal protein L35; minus strand). Cytogenetic location: 9q33.3.
Variant type: single nucleotide variant.
Coding change: c.362T>G on transcript NM_007209.4 (MANE Select); coding-DNA position 362, T replaced by G.
Protein change: p.Val121Gly; replaces valine 121 with glycine.
Molecular consequence: missense variant.
Genome position (GRCh38, 1-based): chr9:124,857,928, A>C on the plus strand (T>G on the coding strand, the complement: RPL35 is on the minus strand). VCF-style: chr9-124857928-A-C. GRCh37 (hg19) VCF-style: chr9-127620207-A-C.
Other names: short protein forms V121G.
Identifiers: ClinVar variation 2847890 (VCV002847890.3), dbSNP rs2490707656, ClinGen allele CA374884879.

ClinVar aggregate classification (germline): Uncertain significance (1 of 4 stars; one submission).

Submission:

Labcorp Genetics (formerly Invitae), Labcorp
Classification: Uncertain significance. Last evaluated: 2023-04-06. Review status: criteria provided, single submitter. Criteria: Invitae Variant Classification Sherloc (09022015). Collection method: clinical testing. Allele origin: germline.
Comment: In summary, the available evidence is currently insufficient to determine the role of this variant in disease. Therefore, it has been classified as a Variant of Uncertain Significance. An algorithm developed to predict the effect of missense changes on protein structure and function (PolyPhen-2) suggests that this variant is likely to be tolerated. This variant has not been reported in the literature in individuals affected with RPL35-related conditions. This variant is not present in population databases (gnomAD no frequency). This sequence change replaces valine, which is neutral and non-polar, with glycine, which is neutral and non-polar, at codon 121 of the RPL35 protein (p.Val121Gly).